The following is an entry in ClinVar:

NM_001378454.1(ALMS1):c.8862T>G (p.Asp2954Glu)

Gene: ALMS1 (ALMS1 centrosome and basal body associated protein; plus strand). Cytogenetic location: 2p13.1.
Variant type: single nucleotide variant.
Coding change: c.8862T>G on transcript NM_001378454.1 (MANE Select); coding-DNA position 8862, T replaced by G.
Protein change: p.Asp2954Glu; replaces aspartic acid 2954 with glutamic acid.
Molecular consequence: missense variant.
Genome position (GRCh38, 1-based): chr2:73,490,821, T>G. VCF-style: chr2-73490821-T-G. GRCh37 (hg19) VCF-style: chr2-73717948-T-G.
Other names: c.8865T>G, p.Asp2955Glu (NM_015120.4); short protein forms D2954E, D2955E.
Identifiers: ClinVar variation 2065724 (VCV002065724.4), dbSNP rs372578574, ClinGen allele CA1714560.

ClinVar aggregate classification (germline): Uncertain significance. Review status: criteria provided, multiple submitters, no conflicts (2 of 4 stars). 2 submissions from 2 submitters: Uncertain significance (2). Last evaluated 2024-01-22.

Conditions:
Alstrom syndrome (ALMS). Identifiers: Orphanet 64, MedGen C0268425, MONDO:0008763, OMIM 203800.

Allele frequency attached by ClinVar (database versions not stated): gnomAD 0.00001; gnomAD exomes 0.00001; ExAC 0.00002; ESP Exome Variant Server 0.00008.
gnomAD v4.1: 12 of 1,613,918 alleles (0.00074%); highest among the groups gnomAD compares: Non-Finnish European, 0.00093%; no homozygotes.

Submissions (2):

Labcorp Genetics (formerly Invitae), Labcorp
Classification: Uncertain significance for Alstrom syndrome. Last evaluated: 2024-01-22. Review status: criteria provided, single submitter. Criteria: Invitae Variant Classification Sherloc (09022015). Collection method: clinical testing. Allele origin: germline.
Comment: This sequence change replaces aspartic acid, which is acidic and polar, with glutamic acid, which is acidic and polar, at codon 2955 of the ALMS1 protein (p.Asp2955Glu). This variant is present in population databases (rs372578574, gnomAD 0.005%). This variant has not been reported in the literature in individuals affected with ALMS1-related conditions. ClinVar contains an entry for this variant (Variation ID: 2065724). Experimental studies and prediction algorithms are not available or were not evaluated, and the functional significance of this variant is currently unknown. In summary, the available evidence is currently insufficient to determine the role of this variant in disease. Therefore, it has been classified as a Variant of Uncertain Significance.

Blueprint Genetics
Classification: Uncertain significance. Last evaluated: 2023-11-20. Review status: criteria provided, single submitter. Criteria: ACMG Guidelines, 2015. Collection method: clinical testing. Allele origin: germline.